The following is an entry in ClinVar:

ClinVar aggregate classification (germline): Likely benign (0 of 4 stars; one submission).

Conditions:
CNTN5-related disorder. Also called: CNTN5-related condition.

Allele frequency attached by ClinVar (database versions not stated): 1000 Genomes Project 30x 0.00016; ExAC 0.00045; ESP Exome Variant Server 0.00076.
gnomAD v4.1: 1,369 of 1,613,630 alleles (0.085%); highest among the groups gnomAD compares: Non-Finnish European, 0.11%; 1 homozygote.

Submission:

PreventionGenetics, part of Exact Sciences
Classification: Likely benign for CNTN5-related condition. Last evaluated: 2019-03-22. Review status: no assertion criteria provided. Collection method: clinical testing. Allele origin: germline.
Comment: This variant is classified as likely benign based on ACMG/AMP sequence variant interpretation guidelines (Richards et al. 2015 PMID: 25741868, with internal and published modifications).

NM_014361.4(CNTN5):c.480C>T (p.Ser160=)

Gene: CNTN5 (contactin 5; plus strand). Cytogenetic location: 11q22.1.
Variant type: single nucleotide variant.
Coding change: c.480C>T on transcript NM_014361.4 (MANE Select); coding-DNA position 480, C replaced by T.
Protein change: p.Ser160=; no amino-acid change (serine 160 retained).
Molecular consequence: synonymous variant.
Genome position (GRCh38, 1-based): chr11:99,845,165, C>T. VCF-style: chr11-99845165-C-T. GRCh37 (hg19) VCF-style: chr11-99715897-C-T.
Other names: c.480C>T, p.Ser160= (NM_001243270.2, NM_001243271.2); c.258C>T, p.Ser86= (NM_175566.2).
Identifiers: ClinVar variation 3044707 (VCV003044707.2), dbSNP rs61749256, ClinGen allele CA6242097.